The following is an entry in ClinVar:

NM_015702.3(MMADHC):c.60_61insAT (p.Leu21fs)

Gene: MMADHC (metabolism of cobalamin associated D; minus strand). Cytogenetic location: 2q23.2.
Variant type: Insertion.
Coding change: c.60_61insAT on transcript NM_015702.3 (MANE Select); coding-DNA positions 60 to 61, AT inserted.
Protein change: p.Leu21fs; shifts the reading frame from leucine 21.
Molecular consequence: frameshift variant.
Genome position: GRCh38 VCF-style: chr2-149582220-A-AAT. GRCh37 (hg19) VCF-style: chr2-150438734-A-AAT.
Other names: Leu20fsTer21; 60insAT; short protein forms L21fs.
Identifiers: ClinVar variation 219001 (VCV000219001.11), dbSNP rs864309742, ClinGen allele CA347852.

ClinVar aggregate classification (germline): Pathogenic. Review status: criteria provided, single submitter (1 of 4 stars). 2 submissions from 2 submitters: Pathogenic (1). 1 of the submissions does not count toward it. Last evaluated 2019-04-09.

Conditions:
Methylmalonic aciduria and homocystinuria type cblD (MAHCD). Also called: Methylmalonic aciduria with homocystinuria cblD type; METHYLMALONIC ACIDEMIA, cblH TYPE. Identifiers: Orphanet 622, Orphanet 79283, MedGen C1848552, MONDO:0010185, OMIM 277410.

Submissions (2):

Labcorp Genetics (formerly Invitae), Labcorp
Classification: Pathogenic for Methylmalonic aciduria and homocystinuria type cblD. Last evaluated: 2019-04-09. Review status: criteria provided, single submitter. Criteria: Invitae Variant Classification Sherloc (09022015). Collection method: clinical testing. Allele origin: germline.
Comment: This variant has been observed in an individual affected with methylmalonic acidemia (PMID: 22156578). ClinVar contains an entry for this variant (Variation ID: 219001). This sequence change creates a premature translational stop signal (p.Leu21Ilefs*2) in the MMADHC gene. It is expected to result in an absent or disrupted protein product. This variant is not present in population databases (ExAC no frequency). Loss-of-function variants in MMADHC are known to be pathogenic (PMID: 18385497). For these reasons, this variant has been classified as Pathogenic.

GeneReviews
No classification provided. Condition: Methylmalonic aciduria and homocystinuria type cblD. Review status: no classification provided. Collection method: literature only. Allele origin: germline. Affected: yes. Not counted in ClinVar's aggregate classification.

Literature cited by the submitters: PubMed 22156578 (cited by Labcorp Genetics (formerly Invitae), Labcorp); PubMed 18385497 (cited by Labcorp Genetics (formerly Invitae), Labcorp); NCBI Bookshelf NBK1231 (cited by GeneReviews).